The following is an entry in ClinVar:

ClinVar aggregate classification (germline): Pathogenic (1 of 4 stars; one submission).

Conditions:
MPI-congenital disorder of glycosylation. Also called: MANNOSEPHOSPHATE ISOMERASE DEFICIENCY; PROTEIN-LOSING ENTEROPATHY-HEPATIC FIBROSIS SYNDROME; MPI-CDG; MPI DEFICIENCY; CONGENITAL DISORDER OF GLYCOSYLATION, TYPE Ib; CDG Ib. Identifiers: Orphanet 79319, MedGen C1865145, MONDO:0011257, OMIM 602579.

Allele frequency attached by ClinVar (database versions not stated): ExAC 0.00001.
gnomAD v4.1: 3 of 1,614,098 alleles (0.00019%); highest among the groups gnomAD compares: South Asian, 0.0033%; no homozygotes.

Submission:

Labcorp Genetics (formerly Invitae), Labcorp
Classification: Pathogenic for MPI-congenital disorder of glycosylation. Last evaluated: 2023-04-25. Review status: criteria provided, single submitter. Criteria: Invitae Variant Classification Sherloc (09022015). Collection method: clinical testing. Allele origin: germline.
Comment: For these reasons, this variant has been classified as Pathogenic. This variant has not been reported in the literature in individuals affected with MPI-related conditions. This variant is present in population databases (rs752447493, gnomAD 0.003%). This sequence change creates a premature translational stop signal (p.Gly281*) in the MPI gene. It is expected to result in an absent or disrupted protein product. Loss-of-function variants in MPI are known to be pathogenic (PMID: 19862844).

Literature cited by the submitters: PubMed 19862844.

NM_002435.3(MPI):c.841G>T (p.Gly281Ter)

Gene: MPI (mannose phosphate isomerase; plus strand). Cytogenetic location: 15q24.1.
Variant type: single nucleotide variant.
Coding change: c.841G>T on transcript NM_002435.3 (MANE Select); coding-DNA position 841, G replaced by T.
Protein change: p.Gly281Ter; replaces glycine 281 with a stop codon.
Molecular consequence: nonsense.
Genome position (GRCh38, 1-based): chr15:74,896,322, G>T. VCF-style: chr15-74896322-G-T. GRCh37 (hg19) VCF-style: chr15-75188663-G-T.
Other names: c.841G>T, p.Gly281Ter (NM_001289155.2); c.691G>T, p.Gly231Ter (NM_001289156.2); c.658G>T, p.Gly220Ter (NM_001289157.2); c.781G>T, p.Gly261Ter (NM_001330372.2); short protein forms G231*, G220*, G261*, G281*.
Identifiers: ClinVar variation 2859220 (VCV002859220.3), dbSNP rs752447493, ClinGen allele CA7662552.